The following is an entry in ClinVar:

ClinVar aggregate classification (germline): Uncertain significance (1 of 4 stars; one submission).

Conditions:
Inborn genetic diseases. Identifiers: MedGen C0950123, MeSH D030342.

Submission:

Ambry Genetics
Classification: Uncertain significance for Inborn genetic diseases. Last evaluated: 2023-11-03. Review status: criteria provided, single submitter. Criteria: Ambry Variant Classification Scheme 2023. Collection method: clinical testing. Allele origin: germline.
Comment: The p.T1640P variant (also known as c.4918A>C), located in coding exon 28 of the ATR gene, results from an A to C substitution at nucleotide position 4918. The threonine at codon 1640 is replaced by proline, an amino acid with highly similar properties. This amino acid position is conserved. In addition, the in silico prediction for this alteration is inconclusive. Since supporting evidence is limited at this time, the clinical significance of this alteration remains unclear.

NM_001184.4(ATR):c.4918A>C (p.Thr1640Pro)

Gene: ATR (ATR checkpoint kinase; minus strand). Cytogenetic location: 3q23.
Variant type: single nucleotide variant.
Coding change: c.4918A>C on transcript NM_001184.4 (MANE Select); coding-DNA position 4918, A replaced by C.
Protein change: p.Thr1640Pro; replaces threonine 1640 with proline.
Molecular consequence: missense variant.
Genome position (GRCh38, 1-based): chr3:142,508,044, T>G on the plus strand (A>C on the coding strand, the complement: ATR is on the minus strand). VCF-style: chr3-142508044-T-G. GRCh37 (hg19) VCF-style: chr3-142226886-T-G.
Other names: c.4726A>C, p.Thr1576Pro (NM_001354579.2); short protein forms T1576P, T1640P.
Identifiers: ClinVar variation 3221190 (VCV003221190.1), dbSNP rs2473200361, ClinGen allele CA354820775.